The following is an entry in ClinVar:

NM_007294.4(BRCA1):c.4786T>A (p.Ser1596Thr)

Gene: BRCA1 (BRCA1 DNA repair associated; minus strand). Cytogenetic location: 17q21.31.
Variant type: single nucleotide variant.
Coding change: c.4786T>A on transcript NM_007294.4 (MANE Select); coding-DNA position 4786, T replaced by A.
Protein change: p.Ser1596Thr; replaces serine 1596 with threonine.
Molecular consequence: missense variant. On other transcripts: intron variant (1).
Genome position (GRCh38, 1-based): chr17:43,071,128, A>T on the plus strand (T>A on the coding strand, the complement: BRCA1 is on the minus strand). VCF-style: chr17-43071128-A-T. GRCh37 (hg19) VCF-style: chr17-41223145-A-T.
Other names: c.4642T>A, p.Ser1548Thr (NM_001407747.1, NM_001407748.1, NM_001407749.1 and 21 more transcripts); c.4639T>A, p.Ser1547Thr (NM_001407838.1, NM_001407839.1, NM_001407841.1 and 12 more transcripts); c.4786T>A, p.Ser1596Thr (NM_001407854.1, NM_001407593.1, NM_001407594.1 and 8 more transcripts); c.4783T>A, p.Ser1595Thr (NM_001407858.1, NM_001407859.1, NM_001407860.1 and 17 more transcripts); c.4576T>A, p.Ser1526Thr (NM_001407887.1, NM_001407889.1, NM_001407879.1 and 5 more transcripts); c.4573T>A, p.Ser1525Thr (NM_001407894.1, NM_001407895.1, NM_001407571.1 and 12 more transcripts); c.4780T>A, p.Ser1594Thr (NM_001407861.1, NM_001407627.1, NM_001407628.1 and 14 more transcripts); c.4585T>A, p.Ser1529Thr (NM_001407862.1); and 71 more; short protein forms S1469T, S1507T, S1570T, S1592T, S1594T, S1618T, S379T, S422T.
Identifiers: ClinVar variation 3634633 (VCV003634633.3).

ClinVar aggregate classification (germline): Uncertain significance. Review status: criteria provided, multiple submitters, no conflicts (2 of 4 stars). 2 submissions from 2 submitters: Uncertain significance (2). Last evaluated 2025-02-10.

Conditions:
Hereditary breast ovarian cancer syndrome. Also called: Hereditary breast and ovarian cancer syndrome; Hereditary breast and ovarian cancer syndrome (HBOC); BRCA1- and BRCA2-Associated Hereditary Breast and Ovarian Cancer; Hereditary breast and ovarian cancer; Breast and ovarian cancer; Hereditary breast and/or ovarian cancer syndrome. Identifiers: Orphanet 145, MedGen C0677776, MeSH D061325, MONDO:0003582. Disease mechanism: loss of function.
Hereditary cancer-predisposing syndrome. Also called: Neoplastic Syndromes, Hereditary; Tumor predisposition; Hereditary Cancer Syndrome; Hereditary neoplastic syndrome. Identifiers: Orphanet 140162, MedGen C0027672, MeSH D009386, MONDO:0015356.

Submissions (2):

Ambry Genetics
Classification: Uncertain significance for Hereditary cancer-predisposing syndrome. Last evaluated: 2025-02-10. Review status: criteria provided, single submitter. Criteria: Ambry Variant Classification Scheme 2023. Collection method: clinical testing. Allele origin: germline.
Comment: The p.S1596T variant (also known as c.4786T>A), located in coding exon 14 of the BRCA1 gene, results from a T to A substitution at nucleotide position 4786. The serine at codon 1596 is replaced by threonine, an amino acid with similar properties. This variant was functional in a homology directed repair assay (Adamovich AI et al. Am J Hum Genet, 2022 Apr;109:618-630). This amino acid position is highly conserved in available vertebrate species. In addition, the in silico prediction for this alteration is inconclusive. Based on the available evidence, the clinical significance of this variant remains unclear.

Labcorp Genetics (formerly Invitae), Labcorp
Classification: Uncertain significance for Hereditary breast ovarian cancer syndrome. Last evaluated: 2024-11-11. Review status: criteria provided, single submitter. Criteria: Invitae Variant Classification Sherloc (09022015). Collection method: clinical testing. Allele origin: germline.
Comment: This sequence change replaces serine, which is neutral and polar, with threonine, which is neutral and polar, at codon 1596 of the BRCA1 protein (p.Ser1596Thr). This variant is not present in population databases (gnomAD no frequency). This variant has not been reported in the literature in individuals affected with BRCA1-related conditions. Invitae Evidence Modeling of protein sequence and biophysical properties (such as structural, functional, and spatial information, amino acid conservation, physicochemical variation, residue mobility, and thermodynamic stability) indicates that this missense variant is not expected to disrupt BRCA1 protein function with a negative predictive value of 95%. In summary, the available evidence is currently insufficient to determine the role of this variant in disease. Therefore, it has been classified as a Variant of Uncertain Significance.

Literature cited by the submitters: PubMed 35196514 (cited by Ambry Genetics).